The following is an entry in ClinVar:

NM_017780.4(CHD7):c.6103+6T>C

Gene: CHD7 (chromodomain helicase DNA binding protein 7; plus strand). Cytogenetic location: 8q12.2.
Variant type: single nucleotide variant.
Coding change: c.6103+6T>C on transcript NM_017780.4 (MANE Select); 6 bases into the intron after coding-DNA position 6103, T replaced by C.
Molecular consequence: intron variant.
Genome position (GRCh38, 1-based): chr8:60,852,712, T>C. VCF-style: chr8-60852712-T-C. GRCh37 (hg19) VCF-style: chr8-61765271-T-C.
Other names: c.1717-9517T>C (NM_001316690.1).
Identifiers: ClinVar variation 95798 (VCV000095798.35), dbSNP rs371509438, ClinGen allele CA223311.
Genomic context (GRCh38, chr8:60,852,712, plus strand): 5'-TGTTTTGTGGCCATGTGTAGGCGAGTATGTCGAATGCCCGTCAAGCCAGATGATGGTAGG[T>C]ACATTTAGCAACAAAGTTCTATACAAAAAGACGAGTAAAGTGAAAAATAAGAAAGTGTAC-3'

ClinVar aggregate classification (germline): Conflicting classifications of pathogenicity. Review status: criteria provided, conflicting classifications (1 of 4 stars). 9 submissions from 9 submitters: Uncertain significance (2); Benign (4); Likely benign (2). 1 of the submissions does not count toward it. Last evaluated 2026-02-01.

Conditions:
Inborn genetic diseases. Identifiers: MedGen C0950123, MeSH D030342.
CHD7-related disorder. Also called: CHD7-related condition.
Hypogonadotropic hypogonadism 5 with or without anosmia (KAL5). Also called: CHD7-Related GnRH Deficiency (Kallmann Syndrome 5); HYPOGONADOTROPIC HYPOGONADISM 5 WITH ANOSMIA; HYPOGONADOTROPHIC HYPOGONADISM 5 WITHOUT ANOSMIA. Identifiers: Orphanet 478, MedGen C3552553, MONDO:0012880, OMIM 612370. Disease mechanism: loss of function.
CHARGE syndrome (CHARGE). Also called: CHARGE ASSOCIATION--COLOBOMA, HEART ANOMALY, CHOANAL ATRESIA, RETARDATION, GENITAL AND EAR ANOMALIES; Hittner Hirsch Kreh syndrome; Coloboma, heart anomaly, choanal atresia, retardation, genital and ear anomalies; CHARGE association; Hall-Hittner syndrome. Identifiers: Orphanet 138, MedGen C0265354, MONDO:0008965.

Allele frequency attached by ClinVar (database versions not stated): ESP Exome Variant Server 0.00008; ExAC 0.00019; gnomAD exomes 0.00015 and 0.00029; gnomAD 0.00017; TOPMed 0.00015.
gnomAD v4.1: 258 of 1,613,664 alleles (0.016%); highest among the groups gnomAD compares: Admixed American, 0.017%; no homozygotes.

Submissions (10):

Labcorp Genetics (formerly Invitae), Labcorp
Classification: Benign for CHARGE syndrome. Last evaluated: 2026-02-01. Review status: criteria provided, single submitter. Criteria: Invitae Variant Classification Sherloc (09022015). Collection method: clinical testing. Allele origin: germline.

Women's Health and Genetics/Laboratory Corporation of America, LabCorp
Classification: Benign. Last evaluated: 2025-12-03. Review status: criteria provided, single submitter. Criteria: LabCorp Variant Classification Summary - May 2015. Collection method: clinical testing. Allele origin: germline.
Comment: Variant summary: CHD7 c.6103+6T>C alters a nucleotide located close to a canonical splice site and therefore could affect mRNA splicing, leading to a significantly altered protein sequence. Several computational tools predict a significant impact on normal splicing: Two predict the variant weakens a 5' donor site. One predict the variant no significant impact on splicing. However, these predictions have yet to be confirmed by functional studies. The variant allele was found at a frequency of 0.00027 in 280496 control chromosomes, predominantly at a frequency of 0.0056 within the Latino subpopulation in the gnomAD database. The observed variant frequency within Latino control individuals in the gnomAD database exceeds the estimated maximal expected allele frequency for disease-causing variants in CHD7. c.6103+6T>C has been observed in individuals affected with Hypogonadotropic Hypogonadism 5 With Or Without Anosmia without strong evidence for causality (Balasubramanian_2014). These report(s) do not provide unequivocal conclusions about association of the variant with Hypogonadotropic Hypogonadism 5 With Or Without Anosmia. To our knowledge, no experimental evidence demonstrating an impact on protein function has been reported. The following publication have been ascertained in the context of this evaluation (PMID: 25472840). ClinVar contains an entry for this variant (Variation ID: 95798). Based on the evidence outlined above, the variant was classified as benign.

CeGaT Center for Human Genetics Tuebingen
Classification: Likely benign. Last evaluated: 2025-04-01. Review status: criteria provided, single submitter. Criteria: CeGaT Center For Human Genetics Tuebingen Variant Classification Criteria Version 2. Collection method: clinical testing. Allele origin: germline. Affected: yes. Observed: 1 variant allele.
Comment: CHD7: BP4, BS2

Blueprint Genetics
Classification: Benign. Last evaluated: 2024-09-13. Review status: criteria provided, single submitter. Criteria: ACMG Guidelines, 2015. Collection method: clinical testing. Allele origin: germline.

Ambry Genetics
Classification: Likely benign for Inborn genetic diseases. Last evaluated: 2022-03-10. Review status: criteria provided, single submitter. Criteria: Ambry Variant Classification Scheme 2023. Collection method: clinical testing. Allele origin: germline.

GeneDx
Classification: Benign. Last evaluated: 2020-07-28. Review status: criteria provided, single submitter. Criteria: GeneDx Variant Classification Process June 2021. Collection method: clinical testing. Allele origin: germline. Affected: yes.
Comment: This variant is associated with the following publications: (PMID: 25472840)

Illumina Laboratory Services, Illumina
Classification: Uncertain significance for Kallmann Syndrome 5. Last evaluated: 2017-04-27. Review status: criteria provided, single submitter. Criteria: ICSL Variant Classification Criteria 13 December 2019. Collection method: clinical testing. Allele origin: germline.

Eurofins Ntd Llc (ga)
Classification: Uncertain significance. Last evaluated: 2012-09-06. Review status: criteria provided, single submitter. Criteria: EGL Classification Definitions 2015. Collection method: clinical testing. Allele origin: germline. Observed: 1 variant allele, 1 heterozygote.

PreventionGenetics, part of Exact Sciences
Classification: Benign for CHD7-related condition. Last evaluated: 2020-05-21. Review status: no assertion criteria provided. Collection method: clinical testing. Allele origin: germline. Not counted in ClinVar's aggregate classification.
Comment: This variant is classified as benign based on ACMG/AMP sequence variant interpretation guidelines (Richards et al. 2015 PMID: 25741868, with internal and published modifications).

Dr. Peter K. Rogan Lab, Western University
No classification provided (evidence only). Condition: Lung cancer. Review status: no classification provided. Collection method: in vitro. Allele origin: not applicable. Functional consequence: retained intron. Not counted in ClinVar's aggregate classification.

Literature cited by the submitters: PubMed 25472840 (cited by Women's Health and Genetics/Laboratory Corporation of America, LabCorp).